The following is an entry in ClinVar:

NM_002739.5(PRKCG):c.413T>A (p.Val138Glu)

Gene: PRKCG (protein kinase C gamma; plus strand). Cytogenetic location: 19q13.42.
Variant type: single nucleotide variant.
Coding change: c.413T>A on transcript NM_002739.5 (MANE Select); coding-DNA position 413, T replaced by A.
Protein change: p.Val138Glu; replaces valine 138 with glutamic acid.
Molecular consequence: missense variant.
Genome position (GRCh38, 1-based): chr19:53,889,901, T>A. VCF-style: chr19-53889901-T-A. GRCh37 (hg19) VCF-style: chr19-54393155-T-A.
Other names: c.413t>a; c.413T>A, p.Val138Glu (NM_001316329.2); short protein forms V138E.
Identifiers: ClinVar variation 42169 (VCV000042169.6), dbSNP rs386134168, ClinGen allele CA344640.
Genomic context (GRCh38, chr19:53,889,901, plus strand): 5'-CTTGGGGGCGGGGCCTGAGGTGCTACCCGCAGCTTTCCCCTCCAGGCTGCGAGATGAACG[T>A]GCACCGGCGCTGTGTGCGTAGCGTGCCCTCCCTGTGCGGTGTGGACCACACCGAGCGCCG-3'
Protein context (NP_002730.1, residues 128-148): GMKCSCCEMN[Val138Glu]HRRCVRSVPS

ClinVar aggregate classification (germline): Pathogenic. Review status: criteria provided, multiple submitters, no conflicts (2 of 4 stars). 3 submissions from 3 submitters: Pathogenic (2). 1 of the submissions does not count toward it. Last evaluated 2021-01-04.

Conditions:
Spinocerebellar ataxia type 14 (SCA14). Identifiers: Orphanet 98763, MedGen C1854369, MONDO:0011540, OMIM 605361.

Submissions (3):

Molecular Medicine for Neurodegenerative and Neuromuscular Diseases Unit, IRCCS Fondazione Stella Maris
Classification: Pathogenic for Spinocerebellar ataxia type 14. Last evaluated: 2021-01-04. Review status: criteria provided, single submitter. Criteria: ACMG Guidelines, 2015. Collection method: research. Allele origin: unknown. Affected: yes.

Athena Diagnostics
Classification: Pathogenic. Last evaluated: 2019-07-30. Review status: criteria provided, single submitter. Criteria: Athena Diagnostics Criteria. Collection method: clinical testing. Allele origin: germline.
Comment: Not found in the total gnomAD dataset, and the data is high quality (0/212802 chr). Found in at least one symptomatic patient. Predicted to have a damaging effect on the protein. Located in potentially critical domain of the protein. Damaging to protein function(s) relevant to disease mechanism. Moderate co-segregation with disease in affected individuals from a single family.

GeneReviews
No classification provided. Condition: Spinocerebellar ataxia type 14. Review status: no classification provided. Collection method: literature only. Allele origin: germline. Not counted in ClinVar's aggregate classification.

Literature cited by the submitters: PubMed 16547918 (cited by Athena Diagnostics); PubMed 24134140 (cited by Athena Diagnostics); PubMed 30363848 (cited by Athena Diagnostics); PubMed 28738819 (cited by Athena Diagnostics); PubMed 21666345 (cited by Athena Diagnostics); PubMed 30093405 (cited by Athena Diagnostics); PubMed 18499672 (cited by Athena Diagnostics); PubMed 18577575 (cited by Athena Diagnostics); NCBI Bookshelf NBK1399 (cited by GeneReviews); PubMed 20301573 (cited by GeneReviews).